The following is an entry in ClinVar:

NM_018129.4(PNPO):c.544G>A (p.Glu182Lys)

Gene: PNPO (pyridoxamine 5'-phosphate oxidase; plus strand). Cytogenetic location: 17q21.32.
Variant type: single nucleotide variant.
Coding change: c.544G>A on transcript NM_018129.4 (MANE Select); coding-DNA position 544, G replaced by A.
Protein change: p.Glu182Lys; replaces glutamic acid 182 with lysine.
Molecular consequence: missense variant.
Genome position (GRCh38, 1-based): chr17:47,945,987, G>A. VCF-style: chr17-47945987-G-A. GRCh37 (hg19) VCF-style: chr17-46023353-G-A.
Other names: p.E182K:GAG>AAG; short protein forms E182K.
Identifiers: ClinVar variation 206459 (VCV000206459.12), dbSNP rs138727329, ClinGen allele CA316582.

ClinVar aggregate classification (germline): Conflicting classifications of pathogenicity. Review status: criteria provided, conflicting classifications (1 of 4 stars). 3 submissions from 3 submitters: Uncertain significance (2); Likely benign (1). Last evaluated 2024-10-23.

Conditions:
Pyridoxal phosphate-responsive seizures (PNPOD). Also called: SEIZURES, PYRIDOXINE-RESISTANT, PLP-SENSITIVE; EPILEPTIC ENCEPHALOPATHY, NEONATAL, PNPO-RELATED; Pyridoxine-5'-phosphate oxidase deficiency; Pyridoxal 5'-Phosphate (PLP)-Dependent Epilepsy; Pyridoxamine 5-Prime-Phosphate Oxidase Deficiency. Identifiers: Orphanet 79096, MedGen C1864723, MONDO:0012407, OMIM 610090. Disease mechanism: loss of function.

Allele frequency attached by ClinVar (database versions not stated): gnomAD 0.00001 and 0.00002; gnomAD exomes 0.00003 and 0.00011; TOPMed 0.00004; ESP Exome Variant Server 0.00008; ExAC 0.00011.
gnomAD v4.1: 44 of 1,613,798 alleles (0.0027%); highest among the groups gnomAD compares: East Asian, 0.04%; no homozygotes.

Submissions (3):

Labcorp Genetics (formerly Invitae), Labcorp
Classification: Uncertain significance for Pyridoxal phosphate-responsive seizures. Last evaluated: 2024-10-23. Review status: criteria provided, single submitter. Criteria: Invitae Variant Classification Sherloc (09022015). Collection method: clinical testing. Allele origin: germline.
Comment: This sequence change replaces glutamic acid, which is acidic and polar, with lysine, which is basic and polar, at codon 182 of the PNPO protein (p.Glu182Lys). This variant is present in population databases (rs138727329, gnomAD 0.1%). This variant has not been reported in the literature in individuals affected with PNPO-related conditions. ClinVar contains an entry for this variant (Variation ID: 206459). An algorithm developed to predict the effect of missense changes on protein structure and function (PolyPhen-2) suggests that this variant¬†is likely to be tolerated. In summary, the available evidence is currently insufficient to determine the role of this variant in disease. Therefore, it has been classified as a Variant of Uncertain Significance.

Athena Diagnostics
Classification: Likely benign. Last evaluated: 2018-11-14. Review status: criteria provided, single submitter. Criteria: Athena Diagnostics Criteria. Collection method: clinical testing. Allele origin: germline.

GeneDx
Classification: Uncertain significance. Last evaluated: 2015-12-09. Review status: criteria provided, single submitter. Criteria: GeneDx Variant Classification (06012015). Collection method: clinical testing. Allele origin: germline. Affected: yes.
Comment: The E182K variant has not been published as a pathogenic variant, nor has it been reported as a benign variant to our knowledge. The E182K variant was not observed with any significant frequency in approximately 6,500 individuals of European and African American ancestry in the NHLBI Exome Sequencing Project. The E182K variant is a non-conservative amino acid substitution, which is likely to impact secondary protein structure as these residues differ in polarity, charge, size, and/or other properties. This substitution occurs at a position where amino acids with similar properties to Glutamic acid are tolerated across species. In silico analysis is inconsistent in its predictions as to whether or not the variant is damaging to the protein structure/function. Based on the currently available information, it is unclear whether this variant is a pathogenic variant or a rare benign variant.